The following is an entry in ClinVar:

NM_000020.3(ACVRL1):c.1377G>A (p.Pro459=)

Gene: ACVRL1 (activin A receptor like type 1; plus strand). Cytogenetic location: 12q13.13.
Variant type: single nucleotide variant.
Coding change: c.1377G>A on transcript NM_000020.3 (MANE Select); coding-DNA position 1377, G replaced by A.
Protein change: p.Pro459=; no amino-acid change (proline 459 retained).
Molecular consequence: synonymous variant.
Genome position (GRCh38, 1-based): chr12:51,919,115, G>A. VCF-style: chr12-51919115-G-A. GRCh37 (hg19) VCF-style: chr12-52312899-G-A.
Other names: c.1377G>A, p.Pro459= (NM_001077401.2).
Identifiers: ClinVar variation 1035031 (VCV001035031.11), dbSNP rs61734312, ClinGen allele CA6573129.
Genomic context (GRCh38, chr12:51,919,115, plus strand): 5'-GAAGGTGGTGTGTGTGGATCAGCAGACCCCCACCATCCCTAACCGGCTGGCTGCAGACCC[G>A]GTGAGGCCTCTGCTGGGACTAGGATGGCGTGGGGTGGTGGCTCATGGCTGGGATTTCTGG-3'
Protein context (NP_000011.2, residues 449-469): PTIPNRLAAD[Pro459=]VLSGLAQMMR

ClinVar aggregate classification (germline): Uncertain significance. Review status: criteria provided, multiple submitters, no conflicts (2 of 4 stars). 3 submissions from 3 submitters: Uncertain significance (3). Last evaluated 2025-09-28.

Conditions:
Cardiovascular phenotype. Identifiers: MedGen CN230736.
Telangiectasia, hereditary hemorrhagic, type 2 (HHT2). Also called: ACVRL1-Related Hereditary Hemorrhagic Telangiectasia; Telangiectasia, hereditary hemorrhagic, type II. Identifiers: Orphanet 774, MedGen C1838163, MONDO:0010880, OMIM 600376. Disease mechanism: loss of function.

Allele frequency attached by ClinVar (database versions not stated): gnomAD below 0.00001 and 0.00001; TOPMed 0.00001.
gnomAD v4.1: 17 of 1,614,004 alleles (0.0011%); highest among the groups gnomAD compares: South Asian, 0.0033%; no homozygotes.

Submissions (3):

Labcorp Genetics (formerly Invitae), Labcorp
Classification: Uncertain significance for Telangiectasia, hereditary hemorrhagic, type 2. Last evaluated: 2025-09-28. Review status: criteria provided, single submitter. Criteria: Invitae Variant Classification Sherloc (09022015). Collection method: clinical testing. Allele origin: germline.
Comment: This sequence change affects codon 459 of the ACVRL1 mRNA. It is a 'silent' change, meaning that it does not change the encoded amino acid sequence of the ACVRL1 protein. This variant also falls at the last nucleotide of exon 9, which is part of the consensus splice site for this exon. This variant is present in population databases (rs61734312, gnomAD 0.003%). This variant has been observed in individual(s) with hereditary hemorrhagic telangiectasia (internal data). ClinVar contains an entry for this variant (Variation ID: 1035031). Variants that disrupt the consensus splice site are a relatively common cause of aberrant splicing (PMID: 17576681, 9536098). Algorithms developed to predict the effect of sequence changes on RNA splicing suggest that this variant may disrupt the consensus splice site. In summary, the available evidence is currently insufficient to determine the role of this variant in disease. Therefore, it has been classified as a Variant of Uncertain Significance.

Ambry Genetics
Classification: Uncertain significance for Cardiovascular phenotype. Last evaluated: 2024-01-18. Review status: criteria provided, single submitter. Criteria: Ambry Variant Classification Scheme 2023. Collection method: clinical testing. Allele origin: germline.
Comment: The c.1377G>A variant (also known as p.P459P), located in coding exon 8 of the ACVRL1 gene, results from a G to A substitution at nucleotide position 1377. This nucleotide substitution does not change the at codon 459. However, this change occurs in the last base pair of coding exon 8, which makes it likely to have some effect on normal mRNA splicing. This nucleotide position is well conserved in available vertebrate species. In silico splice site analysis predicts that this alteration may weaken the native splice donor site. Based on the available evidence, the clinical significance of this alteration remains unclear.

Fulgent Genetics
Classification: Uncertain significance for Telangiectasia, hereditary hemorrhagic, type 2. Last evaluated: 2022-02-17. Review status: criteria provided, single submitter. Criteria: ACMG Guidelines, 2015. Collection method: clinical testing. Allele origin: unknown.

Literature cited by the submitters: PubMed 17576681 (cited by Labcorp Genetics (formerly Invitae), Labcorp); PubMed 9536098 (cited by Labcorp Genetics (formerly Invitae), Labcorp).